The following is an entry in ClinVar:

NM_015909.4(NBAS):c.1732A>G (p.Ile578Val)

Gene: NBAS (NBAS subunit of NRZ tethering complex; minus strand). Cytogenetic location: 2p24.3.
Variant type: single nucleotide variant.
Coding change: c.1732A>G on transcript NM_015909.4 (MANE Select); coding-DNA position 1732, A replaced by G.
Protein change: p.Ile578Val; replaces isoleucine 578 with valine.
Molecular consequence: missense variant. On other transcripts: non-coding transcript variant (1).
Genome position (GRCh38, 1-based): chr2:15,468,527, T>C on the plus strand (A>G on the coding strand, the complement: NBAS is on the minus strand). VCF-style: chr2-15468527-T-C. GRCh37 (hg19) VCF-style: chr2-15608651-T-C.
Other names: c.1732A>G (NM_015909.3); short protein forms I578V.
Identifiers: ClinVar variation 2173130 (VCV002173130.3), dbSNP rs1310841900, ClinGen allele CA345885136.

ClinVar aggregate classification (germline): Uncertain significance. Review status: criteria provided, multiple submitters, no conflicts (2 of 4 stars). 2 submissions from 2 submitters: Uncertain significance (2). Last evaluated 2026-03-18.

Conditions:
NBAS-related disorder. Also called: NBAS-related condition.

Allele frequency attached by ClinVar (database versions not stated): TOPMed below 0.00001; gnomAD 0.00001; gnomAD exomes 0.00002.
gnomAD v4.1: 28 of 1,613,790 alleles (0.0017%); highest among the groups gnomAD compares: Non-Finnish European, 0.002%; no homozygotes.

Submissions (2):

PreventionGenetics, part of Exact Sciences
Classification: Uncertain significance for NBAS-related condition. Last evaluated: 2026-03-18. Review status: criteria provided, single submitter. Criteria: ACMG Guidelines, 2015. Collection method: clinical testing. Allele origin: germline.
Comment: The NBAS c.1732A>G variant is predicted to result in the amino acid substitution p.Ile578Val. To our knowledge, this variant has not been reported in the literature or in a large population database (gnomAD), indicating this variant is rare. At this time, the clinical significance of this variant is uncertain due to the absence of conclusive functional and genetic evidence.

Labcorp Genetics (formerly Invitae), Labcorp
Classification: Uncertain significance. Last evaluated: 2022-07-03. Review status: criteria provided, single submitter. Criteria: Invitae Variant Classification Sherloc (09022015). Collection method: clinical testing. Allele origin: germline.
Comment: In summary, the available evidence is currently insufficient to determine the role of this variant in disease. Therefore, it has been classified as a Variant of Uncertain Significance. Algorithms developed to predict the effect of sequence changes on RNA splicing suggest that this variant may create or strengthen a splice site. Algorithms developed to predict the effect of missense changes on protein structure and function are either unavailable or do not agree on the potential impact of this missense change (SIFT: "Deleterious"; PolyPhen-2: "Benign"; Align-GVGD: "Class C25"). This variant has not been reported in the literature in individuals affected with NBAS-related conditions. This variant is not present in population databases (gnomAD no frequency). This sequence change replaces isoleucine, which is neutral and non-polar, with valine, which is neutral and non-polar, at codon 578 of the NBAS protein (p.Ile578Val).